The following is an entry in ClinVar:

NM_201599.3(ZMYM3):c.1263G>A (p.Glu421=)

Gene: ZMYM3 (zinc finger MYM-type containing 3; minus strand). Cytogenetic location: Xq13.1.
Variant type: single nucleotide variant.
Coding change: c.1263G>A on transcript NM_201599.3 (MANE Select); coding-DNA position 1263, G replaced by A.
Protein change: p.Glu421=; no amino-acid change (glutamic acid 421 retained).
Molecular consequence: synonymous variant.
Genome position (GRCh38, 1-based): chrX:71,249,668, C>T on the plus strand (G>A on the coding strand, the complement: ZMYM3 is on the minus strand). VCF-style: chrX-71249668-C-T. GRCh37 (hg19) VCF-style: chrX-70469518-C-T.
Other names: c.1263G>A, p.Glu421= (NM_001171162.1, NM_001171163.1, NM_005096.3).
Identifiers: ClinVar variation 3045416 (VCV003045416.2), dbSNP rs148915559, ClinGen allele CA10445804.

ClinVar aggregate classification (germline): Likely benign (0 of 4 stars; one submission).

Conditions:
ZMYM3-related disorder. Also called: ZMYM3-related condition.

Allele frequency attached by ClinVar (database versions not stated): gnomAD exomes 0.00016; ExAC 0.00047; gnomAD 0.00124; TOPMed 0.00139; 1000 Genomes Project 30x 0.00166; ESP Exome Variant Server 0.00170; 1000 Genomes Project 0.00185.
gnomAD v4.1: 354 of 1,208,943 alleles (0.029%); highest among the groups gnomAD compares: African/African-American, 0.5%; 3 homozygotes.

Submission:

PreventionGenetics, part of Exact Sciences
Classification: Likely benign for ZMYM3-related condition. Last evaluated: 2019-10-28. Review status: no assertion criteria provided. Collection method: clinical testing. Allele origin: germline.
Comment: This variant is classified as likely benign based on ACMG/AMP sequence variant interpretation guidelines (Richards et al. 2015 PMID: 25741868, with internal and published modifications).